The following is an entry in ClinVar:

NM_000455.5(STK11):c.14A>G (p.Asp5Gly)

Gene: STK11 (serine/threonine kinase 11; plus strand). Cytogenetic location: 19p13.3.
Variant type: single nucleotide variant.
Coding change: c.14A>G on transcript NM_000455.5 (MANE Select); coding-DNA position 14, A replaced by G.
Protein change: p.Asp5Gly; replaces aspartic acid 5 with glycine.
Molecular consequence: missense variant.
Genome position (GRCh38, 1-based): chr19:1,206,927, A>G. VCF-style: chr19-1206927-A-G. GRCh37 (hg19) VCF-style: chr19-1206926-A-G.
Other names: short protein forms D5G.
Identifiers: ClinVar variation 839522 (VCV000839522.14), dbSNP rs1178249537, ClinGen allele CA402943017.

ClinVar aggregate classification (germline): Conflicting classifications of pathogenicity. Review status: criteria provided, conflicting classifications (1 of 4 stars). 3 submissions from 3 submitters: Uncertain significance (2); Likely benign (1). Last evaluated 2026-09-11.

Conditions:
Peutz-Jeghers syndrome (PJS). Also called: POLYPOSIS, HAMARTOMATOUS INTESTINAL; POLYPS-AND-SPOTS SYNDROME; Peutz-Jeghers polyposis; Periorificial lentiginosis syndrome. Identifiers: Orphanet 2869, MedGen C0031269, MeSH D010580, MONDO:0008280, OMIM 175200.
Hereditary cancer-predisposing syndrome. Also called: Tumor predisposition; Hereditary neoplastic syndrome; Neoplastic Syndromes, Hereditary; Hereditary Cancer Syndrome. Identifiers: Orphanet 140162, MedGen C0027672, MeSH D009386, MONDO:0015356.
Familial pancreatic carcinoma. Identifiers: Orphanet 1333, MedGen C2931038, MONDO:0015278, OMIM 260350.
Germ cell tumor of testis (TGCT). Also called: Testicular germ cell tumor; GERM CELL TUMOR, SOMATIC. Identifiers: Orphanet 363504, MedGen C1336708, MONDO:0010108, OMIM 273300.
Melanoma, cutaneous malignant, susceptibility to, 1 (CMM1). Also called: B-K MOLE SYNDROME; DYSPLASTIC NEVUS SYNDROME, HEREDITARY; FAMILIAL ATYPICAL MOLE-MALIGNANT MELANOMA SYNDROME; MELANOMA, MALIGNANT. Identifiers: Orphanet 618, MedGen C1835047, MONDO:0007963, OMIM 155600.

Allele frequency attached by ClinVar (database versions not stated): gnomAD exomes below 0.00001.
gnomAD v4.1: 2 of 1,586,262 alleles (0.00013%); highest among the groups gnomAD compares: Admixed American, 0.0018%; no homozygotes.

Submissions (3):

Ambry Genetics
Classification: Likely benign for Hereditary cancer-predisposing syndrome. Last evaluated: 2026-09-11. Review status: criteria provided, single submitter. Criteria: Ambry Variant Classification Scheme 2023. Collection method: clinical testing. Allele origin: germline.

Labcorp Genetics (formerly Invitae), Labcorp
Classification: Uncertain significance for Peutz-Jeghers syndrome. Last evaluated: 2023-08-24. Review status: criteria provided, single submitter. Criteria: Invitae Variant Classification Sherloc (09022015). Collection method: clinical testing. Allele origin: germline.
Comment: ClinVar contains an entry for this variant (Variation ID: 839522). This variant has not been reported in the literature in individuals affected with STK11-related conditions. The frequency data for this variant in the population databases is considered unreliable, as metrics indicate poor data quality at this position in the gnomAD database. This sequence change replaces aspartic acid, which is acidic and polar, with glycine, which is neutral and non-polar, at codon 5 of the STK11 protein (p.Asp5Gly). In summary, the available evidence is currently insufficient to determine the role of this variant in disease. Therefore, it has been classified as a Variant of Uncertain Significance. Advanced modeling of protein sequence and biophysical properties (such as structural, functional, and spatial information, amino acid conservation, physicochemical variation, residue mobility, and thermodynamic stability) has been performed at Invitae for this missense variant, however the output from this modeling did not meet the statistical confidence thresholds required to predict the impact of this variant on STK11 protein function.

Department of Pathology and Laboratory Medicine, Sinai Health System
Classification: Uncertain significance for Melanoma, cutaneous malignant, susceptibility to, 1; Peutz-Jeghers syndrome; Familial pancreatic carcinoma; Germ cell tumor of testis. Last evaluated: 2021-07-08. Review status: criteria provided, single submitter. Criteria: ACMG Guidelines, 2015. Collection method: clinical testing. Allele origin: germline. Affected: no.